The following is an entry in ClinVar:

NM_018429.3(BDP1):c.7036G>C (p.Gly2346Arg)

Gene: BDP1 (BDP1 general transcription factor IIIB subunit; plus strand). Cytogenetic location: 5q13.2.
Variant type: single nucleotide variant.
Coding change: c.7036G>C on transcript NM_018429.3 (MANE Select); coding-DNA position 7036, G replaced by C.
Protein change: p.Gly2346Arg; replaces glycine 2346 with arginine.
Molecular consequence: missense variant.
Genome position (GRCh38, 1-based): chr5:71,553,156, G>C. VCF-style: chr5-71553156-G-C. GRCh37 (hg19) VCF-style: chr5-70848983-G-C.
Other names: short protein forms G2346R.
Identifiers: ClinVar variation 1318224 (VCV001318224.36), dbSNP rs200098601, ClinGen allele CA3297411.

ClinVar aggregate classification (germline): Conflicting classifications of pathogenicity. Review status: criteria provided, conflicting classifications (1 of 4 stars). 6 submissions from 6 submitters: Uncertain significance (1); Likely benign (4). 1 of the submissions does not count toward it. Last evaluated 2024-10-04.

Conditions:
BDP1-related disorder. Also called: BDP1-related condition.

Allele frequency attached by ClinVar (database versions not stated): gnomAD 0.00075 and 0.00074; gnomAD exomes 0.00119 and 0.00064; 1000 Genomes Project 0.00040; 1000 Genomes Project 30x 0.00047; ESP Exome Variant Server 0.00051; ExAC 0.00059; TOPMed 0.00071.
gnomAD v4.1: 1,819 of 1,612,916 alleles (0.11%); highest among the groups gnomAD compares: Non-Finnish European, 0.15%; 1 homozygote.

Submissions (6):

Blueprint Genetics
Classification: Likely benign. Last evaluated: 2024-10-04. Review status: criteria provided, single submitter. Criteria: ACMG Guidelines, 2015. Collection method: clinical testing. Allele origin: germline.

CeGaT Center for Human Genetics Tuebingen
Classification: Likely benign. Last evaluated: 2023-07-01. Review status: criteria provided, single submitter. Criteria: CeGaT Center For Human Genetics Tuebingen Variant Classification Criteria Version 2. Collection method: clinical testing. Allele origin: germline. Affected: yes. Observed: 2 variant alleles.
Comment: BDP1: BP4

Ambry Genetics
Classification: Uncertain significance. Last evaluated: 2021-10-06. Review status: criteria provided, single submitter. Criteria: Ambry Variant Classification Scheme 2023. Collection method: clinical testing. Allele origin: germline.

GeneDx
Classification: Likely benign. Last evaluated: 2021-03-08. Review status: criteria provided, single submitter. Criteria: GeneDx Variant Classification Process June 2021. Collection method: clinical testing. Allele origin: germline. Affected: yes.

Breakthrough Genomics
Classification: Likely benign. Review status: criteria provided, single submitter. Criteria: ACMG Guidelines, 2015. Collection method: not provided. Allele origin: germline. Inheritance: Autosomal recessive inheritance. Affected: yes.

PreventionGenetics, part of Exact Sciences
Classification: Uncertain significance for BDP1-related condition. Last evaluated: 2024-08-21. Review status: no assertion criteria provided. Collection method: clinical testing. Allele origin: germline. Not counted in ClinVar's aggregate classification.
Comment: The BDP1 c.7036G>C variant is predicted to result in the amino acid substitution p.Gly2346Arg. To our knowledge, this variant has not been reported in the literature. This variant is reported in 0.12% of alleles in individuals of European (Non-Finnish) descent in gnomAD. Although we suspect that this variant may be benign, at this time, the clinical significance of this variant is uncertain due to the absence of conclusive functional and genetic evidence.